The following is an entry in ClinVar:

NM_003737.4(DCHS1):c.6463A>G (p.Thr2155Ala)

Gene: DCHS1 (dachsous cadherin-related 1; minus strand). Cytogenetic location: 11p15.4.
Variant type: single nucleotide variant.
Coding change: c.6463A>G on transcript NM_003737.4 (MANE Select); coding-DNA position 6463, A replaced by G.
Protein change: p.Thr2155Ala; replaces threonine 2155 with alanine.
Molecular consequence: missense variant.
Genome position (GRCh38, 1-based): chr11:6,626,282, T>C on the plus strand (A>G on the coding strand, the complement: DCHS1 is on the minus strand). VCF-style: chr11-6626282-T-C. GRCh37 (hg19) VCF-style: chr11-6647513-T-C.
Other names: short protein forms T2155A.
Identifiers: ClinVar variation 2491315 (VCV002491315.6), dbSNP rs764847898, ClinGen allele CA5859857.

ClinVar aggregate classification (germline): Uncertain significance. Review status: criteria provided, multiple submitters, no conflicts (2 of 4 stars). 2 submissions from 2 submitters: Uncertain significance (2). Last evaluated 2025-05-06.

Conditions:
Inborn genetic diseases. Identifiers: MedGen C0950123, MeSH D030342.

Allele frequency attached by ClinVar (database versions not stated): gnomAD exomes below 0.00001; TOPMed 0.00001; ExAC 0.00002.
gnomAD v4.1: 5 of 1,613,226 alleles (0.00031%); highest among the groups gnomAD compares: East Asian, 0.011%; no homozygotes.

Submissions (2):

Ambry Genetics
Classification: Uncertain significance for Inborn genetic diseases. Last evaluated: 2025-05-06. Review status: criteria provided, single submitter. Criteria: Ambry Variant Classification Scheme 2023. Collection method: clinical testing. Allele origin: germline.

Labcorp Genetics (formerly Invitae), Labcorp
Classification: Uncertain significance. Last evaluated: 2023-10-22. Review status: criteria provided, single submitter. Criteria: Invitae Variant Classification Sherloc (09022015). Collection method: clinical testing. Allele origin: germline.
Comment: This sequence change replaces threonine, which is neutral and polar, with alanine, which is neutral and non-polar, at codon 2155 of the DCHS1 protein (p.Thr2155Ala). This variant is present in population databases (rs764847898, gnomAD 0.03%). This variant has not been reported in the literature in individuals affected with DCHS1-related conditions. ClinVar contains an entry for this variant (Variation ID: 2491315). Advanced modeling of protein sequence and biophysical properties (such as structural, functional, and spatial information, amino acid conservation, physicochemical variation, residue mobility, and thermodynamic stability) performed at Invitae indicates that this missense variant is expected to disrupt DCHS1 protein function. In summary, the available evidence is currently insufficient to determine the role of this variant in disease. Therefore, it has been classified as a Variant of Uncertain Significance.